The following is an entry in ClinVar:

ClinVar aggregate classification (germline): Conflicting classifications of pathogenicity. Review status: criteria provided, conflicting classifications (1 of 4 stars). 3 submissions from 3 submitters: Likely pathogenic (1); Uncertain significance (1). 1 of the submissions does not count toward it. Last evaluated 2022-07-01.

Conditions:
Retinitis pigmentosa (RP). Identifiers: Orphanet 791, MedGen C0035334, MeSH D012174, MONDO:0019200, OMIM 268000. Inheritance: Autosomal dominant, autosomal recessive and X linked inheritance.

Allele frequency attached by ClinVar (database versions not stated): TOPMed below 0.00001; gnomAD 0.00001.
gnomAD v4.1: 3 of 1,613,952 alleles (0.00019%); highest among the groups gnomAD compares: African/African-American, 0.0013%; no homozygotes.

Submissions (3):

Labcorp Genetics (formerly Invitae), Labcorp
Classification: Uncertain significance. Last evaluated: 2022-07-01. Review status: criteria provided, single submitter. Criteria: Invitae Variant Classification Sherloc (09022015). Collection method: clinical testing. Allele origin: germline.
Comment: This sequence change falls in intron 41 of the ABCA4 gene. It does not directly change the encoded amino acid sequence of the ABCA4 protein. It affects a nucleotide within the consensus splice site. This variant is not present in population databases (gnomAD no frequency). This variant has been observed in individual(s) with ABCA4-related conditions (PMID: 25082829). ClinVar contains an entry for this variant (Variation ID: 417993). Variants that disrupt the consensus splice site are a relatively common cause of aberrant splicing (PMID: 17576681, 9536098). Studies have shown that this variant is associated with altered splicing resulting in the insertion of 30 nucleotides into the transcript (PMID: 29162642, 32413971). In summary, the available evidence is currently insufficient to determine the role of this variant in disease. Therefore, it has been classified as a Variant of Uncertain Significance.

GeneDx
Classification: Likely pathogenic. Last evaluated: 2013-07-31. Review status: criteria provided, single submitter. Criteria: GeneDx Variant Classification (06012015). Collection method: clinical testing. Allele origin: germline. Affected: yes.
Comment: The c.5836-3 C>A variant in the ABCA4 gene has not been reported as a pathogenic mutation or as a benign polymorphism to our knowledge. Three in silico splice prediction algorithms predict c.5836-3 C>A destroys or damages the natural splice acceptor site of intron 41. The c.5836-3 C>A variant was not observed in approximately 6,500 individuals of European and African American ancestry in an external variant database, indicating it is not a common benign variant in these populations. Therefore, the c.5836-3C>A variant is a candidate for a pathogenic variant, although the possibility that it is a benign polymorphism cannot be completely excluded.

Rui Chen Lab, Baylor College of Medicine
Classification: Pathogenic for Retinitis pigmentosa. Last evaluated: 2017-05-09. Review status: no assertion criteria provided. Collection method: research. Allele origin: germline. Affected: yes. Not counted in ClinVar's aggregate classification.
Comment: An in vitrominigene system was used to confirm that the variant disrupts splicing

Literature cited by the submitters: PubMed 25082829 (cited by Labcorp Genetics (formerly Invitae), Labcorp); PubMed 17576681 (cited by Labcorp Genetics (formerly Invitae), Labcorp); PubMed 9536098 (cited by Labcorp Genetics (formerly Invitae), Labcorp); PubMed 29162642 (cited by Labcorp Genetics (formerly Invitae), Labcorp); PubMed 32413971 (cited by Labcorp Genetics (formerly Invitae), Labcorp).

NM_000350.3(ABCA4):c.5836-3C>A

Gene: ABCA4 (ATP binding cassette subfamily A member 4; minus strand). Cytogenetic location: 1p22.1.
Variant type: single nucleotide variant.
Coding change: c.5836-3C>A on transcript NM_000350.3 (MANE Select); 3 bases into the intron before coding-DNA position 5836, C replaced by A.
Molecular consequence: intron variant.
Genome position (GRCh38, 1-based): chr1:94,008,300, G>T on the plus strand (C>A on the coding strand, the complement: ABCA4 is on the minus strand). VCF-style: chr1-94008300-G-T. GRCh37 (hg19) VCF-style: chr1-94473856-G-T.
Identifiers: ClinVar variation 417993 (VCV000417993.5), dbSNP rs1064793013, ClinGen allele CA16617201.
Genomic context (GRCh38, chr1:94,008,300, plus strand): 5'-CAGGGCGAACTCCGACACACAGCCTGTCCACTGCTGGGCTGGAGGTGCCTGGATAAATCT[G>T]CAAGATACGAAGAAACCGGACTGAGAACTGAGACAGGGTGAGAGCAAGGAGGGGAAGAGG-3'